The following is an entry in ClinVar:

NM_006206.6(PDGFRA):c.121C>A (p.Leu41Met)

Gene: PDGFRA (platelet derived growth factor receptor alpha; plus strand). Cytogenetic location: 4q12.
Variant type: single nucleotide variant.
Coding change: c.121C>A on transcript NM_006206.6 (MANE Select); coding-DNA position 121, C replaced by A.
Protein change: p.Leu41Met; replaces leucine 41 with methionine.
Molecular consequence: missense variant.
Genome position (GRCh38, 1-based): chr4:54,261,166, C>A. VCF-style: chr4-54261166-C-A. GRCh37 (hg19) VCF-style: chr4-55127333-C-A.
Other names: c.121C>A, p.Leu41Met (NM_001347827.2, NM_001347829.2); c.196C>A, p.Leu66Met (NM_001347828.2); c.160C>A, p.Leu54Met (NM_001347830.2); short protein forms L41M, L54M, L66M.
Identifiers: ClinVar variation 4861729 (VCV004861729.1).

ClinVar aggregate classification (germline): Uncertain significance (1 of 4 stars; one submission).

Conditions:
Hereditary cancer-predisposing syndrome. Also called: Neoplastic Syndromes, Hereditary; Tumor predisposition; Hereditary Cancer Syndrome; Hereditary neoplastic syndrome. Identifiers: Orphanet 140162, MedGen C0027672, MeSH D009386, MONDO:0015356.

gnomAD v4.1: 1 of 1,614,138 alleles (0.000062%); no homozygotes.

Submission:

Ambry Genetics
Classification: Uncertain significance for Hereditary cancer-predisposing syndrome. Last evaluated: 2026-04-02. Review status: criteria provided, single submitter. Criteria: Ambry Variant Classification Scheme 2023. Collection method: clinical testing. Allele origin: germline.
Comment: The p.L41M variant (also known as c.121C>A), located in coding exon 2 of the PDGFRA gene, results from a C to A substitution at nucleotide position 121. The leucine at codon 41 is replaced by methionine, an amino acid with highly similar properties. This amino acid position is conserved. In addition, this alteration is predicted to be tolerated by in silico analysis. Based on the available evidence, the clinical significance of this variant remains unclear.